The following is an entry in ClinVar:

ClinVar aggregate classification (germline): Pathogenic. Review status: criteria provided, multiple submitters, no conflicts (2 of 4 stars). 15 submissions from 15 submitters: Pathogenic (13). 2 of the submissions do not count toward it. Last evaluated 2026-02-13.

Conditions:
Intellectual developmental disorder, autosomal dominant 38. Also called: Intellectual disability, autosomal dominant 38; PSYCHOMOTOR RETARDATION, EPILEPSY, AND LANGUAGE DISABILITY SYNDROME. Identifiers: MedGen C4225343, MONDO:0014617, OMIM 616393.
Developmental and epileptic encephalopathy, 33 (DEE33). Also called: Epileptic encephalopathy, early infantile, 33. Identifiers: Orphanet 442835, MedGen C4225337, MONDO:0014625, OMIM 616409.
Inborn genetic diseases. Identifiers: MedGen C0950123, MeSH D030342.
EEF1A2-related disorder. Also called: EEF1A2-related disorders; EEF1A2-related condition.
Complex neurodevelopmental disorder. Identifiers: Orphanet 528084, MedGen C5568766, MONDO:0100038.
Intellectual disability. Also called: intellectual disabilities; Intellectual developmental disorder; Intellectual functioning disability. Identifiers: MedGen C3714756, MeSH D008607, MONDO:0001071, HP:0001249.
EEF1A2-related developmental and degenerative epileptic-dyskinetic encephalopathy.

Submissions (15):

PreventionGenetics, part of Exact Sciences
Classification: Pathogenic for EEF1A2-related condition. Last evaluated: 2026-02-13. Review status: criteria provided, single submitter. Criteria: ACMG Guidelines, 2015. Collection method: clinical testing. Allele origin: germline.
Comment: The EEF1A2 c.208G>A variant is predicted to result in the amino acid substitution p.Gly70Ser. This is a recurrent de novo variant reported in individuals with intellectual disability (Table S3, de Ligt et al. 2012. PubMed ID: 23033978; Table S1, Lam et al. 2016. PubMed ID: 27441201; Table S1, Carvill et al. 2020. PubMed ID: 32196822). This variant has not been reported in a large population database, indicating this variant is rare. This variant is classified as pathogenic in ClinVar (Variation ID: 100782). This variant is interpreted as pathogenic.

Institute of Human Genetics, University of Leipzig Medical Center
Classification: Pathogenic for Developmental and epileptic encephalopathy, 33. Last evaluated: 2025-11-17. Review status: criteria provided, single submitter. Criteria: ACMG Guidelines, 2015. Collection method: clinical testing. Allele origin: unknown. Inheritance: Autosomal dominant inheritance. Affected: yes.
Comment: Criteria applied: PS2_VSTR,PS4,PM2,PS3_SUP,PP2,PP3

Revvity Omics, Revvity
Classification: Pathogenic. Last evaluated: 2025-05-27. Review status: criteria provided, single submitter. Criteria: ACMG Guidelines, 2015. Collection method: clinical testing. Allele origin: germline.

Victorian Clinical Genetics Services, Murdoch Childrens Research Institute
Classification: Pathogenic for Complex neurodevelopmental disorder. Last evaluated: 2024-12-23. Review status: criteria provided, single submitter. Criteria: ACMG Guidelines, 2015. Collection method: clinical testing. Allele origin: germline. Affected: yes.
Comment: This variant is classified as Pathogenic. Evidence in support of pathogenic classification: Variant is absent from gnomAD (v2, v3 and v4); This variant has strong previous evidence of pathogenicity in unrelated individuals. This variant has been classified as pathogenic by clinical laboratories in ClinVar, and reported in the literature in individuals with developmental and epileptic encephalopathy (PMID: 32196822, 38250573); Missense variant in a region that is highly intolerant to missense variation (high constraint region in DECIPHER); Missense variant consistently predicted to be damaging by in silico tool or highly conserved with a major amino acid change; Additional information: Variant is predicted to result in a missense amino acid change from glycine to serine; This variant is heterozygous; This gene is associated with autosomal dominant disease; No comparable missense variants have previous evidence for pathogenicity; The mechanism of disease for this gene is not clearly established. However, gain-of-function has been suggested (PMID: 32160274).

Labcorp Genetics (formerly Invitae), Labcorp
Classification: Pathogenic for Developmental and epileptic encephalopathy, 33. Last evaluated: 2024-05-22. Review status: criteria provided, single submitter. Criteria: Invitae Variant Classification Sherloc (09022015). Collection method: clinical testing. Allele origin: germline.
Comment: This sequence change replaces glycine, which is neutral and non-polar, with serine, which is neutral and polar, at codon 70 of the EEF1A2 protein (p.Gly70Ser). This variant is not present in population databases (gnomAD no frequency). This missense change has been observed in individual(s) with epileptic encephalopathy (PMID: 23033978, 23647072, 26795593, 27441201, 27652284, 28628100). In at least one individual the variant was observed to be de novo. ClinVar contains an entry for this variant (Variation ID: 100782). Advanced modeling of protein sequence and biophysical properties (such as structural, functional, and spatial information, amino acid conservation, physicochemical variation, residue mobility, and thermodynamic stability) performed at Invitae indicates that this missense variant is expected to disrupt EEF1A2 protein function with a positive predictive value of 80%. Experimental studies have shown that this missense change affects EEF1A2 function (PMID: 28378778, 28911200). For these reasons, this variant has been classified as Pathogenic.

Institute of Human Genetics, Heidelberg University
Classification: Pathogenic for Developmental and epileptic encephalopathy, 33; Intellectual developmental disorder, autosomal dominant 38. Last evaluated: 2024-04-16. Review status: criteria provided, single submitter. Criteria: ACMG Guidelines, 2015. Collection method: clinical testing. Allele origin: de novo. Affected: yes.

GeneDx
Classification: Pathogenic. Last evaluated: 2024-04-15. Review status: criteria provided, single submitter. Criteria: GeneDx Variant Classification Process June 2021. Collection method: clinical testing. Allele origin: germline. Affected: yes.
Comment: Not observed at significant frequency in large population cohorts (gnomAD); In silico analysis supports that this missense variant has a deleterious effect on protein structure/function; This variant is associated with the following publications: (PMID: 23647072, 29455050, 28628100, 26795593, 27441201, 28191890, 28378778, 32062104, 33004838, 31440721, 32196822, 23033978)

3billion
Classification: Pathogenic for Intellectual developmental disorder, autosomal dominant 38. Last evaluated: 2021-10-02. Review status: criteria provided, single submitter. Criteria: ACMG Guidelines, 2015. Collection method: clinical testing. Allele origin: germline. Affected: yes. Observed: 1 heterozygote.
Comment: Same nucleotide change resulting in same amino acid change has been previously reported at least twice as de novoo in similarly affected indivisual (PMID: 23033978,23647072, PS2, PS4_M). The missense variant is located in a mutational hot spot and/or well-established functional domain in which established pathogenic variants have been reported (PM1). It is not observed in the gnomAD v2.1.1 dataset (PM2). The variant was observed as assumed (i.e. paternity and maternity not confirmed) de novoo (3billion dataset, PM6). In silico tool predictions suggest damaging effect of the variant on gene or gene product (REVEL: 0.919, 3Cnet: 0.730, PP3). Therefore, this variant is classified as pathogenic according to the recommendation of ACMG/AMP guideline.

Blueprint Genetics
Classification: Pathogenic for EEF1A2-related disorders. Last evaluated: 2021-09-10. Review status: criteria provided, single submitter. Criteria: ACMG Guidelines, 2015. Collection method: clinical testing. Allele origin: germline. Affected: yes. Observed: 1 variant allele.

Epilepsy Neurogenetics Initiative, Children's Hospital of Philadelphia
Classification: Pathogenic for EEF1A2-related developmental and degenerative epileptic-dyskinetic encephalopathy. Last evaluated: 2020-02-13. Review status: criteria provided, single submitter. Criteria: ACMG Guidelines, 2015. Collection method: research. Allele origin: de novo. Inheritance: Autosomal dominant inheritance. Affected: yes. Clinical features observed: Absent speech (HP:0001344), Inability to walk (HP:0002540), Global developmental delay (HP:0001263), Intellectual disability, severe (HP:0010864), Generalized myoclonic seizures (HP:0002123), Generalized tonic-clonic seizures without focal onset (HP:0025190), Generalized tonic seizures (HP:0010818), Atypical absence seizures (HP:0007270), EEG with burst suppression (HP:0010851), Multifocal epileptiform discharges (HP:0010841), Cerebral cortical atrophy (HP:0002120), Developmental regression (HP:0002376), and 7 more.
Comment: The EEF1A2 c.208G>A; p.Gly70Ser variant has been identified in two individuals with a developmental and epileptic encephalopathy characterized by global developmental delays, severe intellectual disability, and intractable infantile or early childhood onset epilepsy. The variant is de novo in both individuals. The variant is absent from population databases (ExAC, gnomAD) and is predicted to have a damaging effect on the protein by in silico models. Therefore, this variant has been classified as pathogenic.

CeGaT Center for Human Genetics Tuebingen
Classification: Pathogenic. Last evaluated: 2019-05-01. Review status: criteria provided, single submitter. Criteria: CeGaT Center For Human Genetics Tuebingen Variant Classification Criteria Version 2. Collection method: clinical testing. Allele origin: germline. Affected: yes. Observed: 1 variant allele.

Baylor Genetics
Classification: Pathogenic for Intellectual disability. Last evaluated: 2017-09-01. Review status: criteria provided, single submitter. Criteria: ACMG Guidelines, 2015. Collection method: clinical testing. Allele origin: de novo. Inheritance: Autosomal dominant inheritance. Affected: yes.

Ambry Genetics
Classification: Pathogenic for Inborn genetic diseases. Last evaluated: 2015-01-20. Review status: criteria provided, single submitter. Criteria: Ambry exome assertion method (8-5-2015). Collection method: clinical testing. Allele origin: germline. Affected: yes. Observed: 2 variant alleles.

Department of Genetics, Robert DEBRE University Hospital
Classification: Pathogenic. Last evaluated: 2019-04-08. Review status: no assertion criteria provided. Collection method: clinical testing. Allele origin: de novo. Affected: yes. Not counted in ClinVar's aggregate classification.

OMIM
Classification: Pathogenic for DEVELOPMENTAL AND EPILEPTIC ENCEPHALOPATHY 33. Last evaluated: 2013-07-01. Review status: no assertion criteria provided. Collection method: literature only. Allele origin: germline. Not counted in ClinVar's aggregate classification.

Literature cited by the submitters: PubMed 32196822 (cited by Victorian Clinical Genetics Services, Murdoch Childrens Research Institute); PubMed 32160274 (cited by Victorian Clinical Genetics Services, Murdoch Childrens Research Institute); PubMed 38250573 (cited by Victorian Clinical Genetics Services, Murdoch Childrens Research Institute); PubMed 23033978 (cited by 4 submitters); PubMed 23647072 (cited by 4 submitters); PubMed 26795593 (cited by Labcorp Genetics (formerly Invitae), Labcorp); PubMed 27441201 (cited by Labcorp Genetics (formerly Invitae), Labcorp); PubMed 27652284 (cited by Labcorp Genetics (formerly Invitae), Labcorp); PubMed 28628100 (cited by Labcorp Genetics (formerly Invitae), Labcorp); PubMed 28378778 (cited by Labcorp Genetics (formerly Invitae), Labcorp); PubMed 28911200 (cited by Labcorp Genetics (formerly Invitae), Labcorp); PubMed 25326635 (cited by Baylor Genetics); PubMed 25326326 (cited by Ambry Genetics).

NM_001958.5(EEF1A2):c.208G>A (p.Gly70Ser)

Gene: EEF1A2 (eukaryotic translation elongation factor 1 alpha 2; minus strand). Cytogenetic location: 20q13.33.
Variant type: single nucleotide variant.
Coding change: c.208G>A on transcript NM_001958.5 (MANE Select); coding-DNA position 208, G replaced by A.
Protein change: p.Gly70Ser; replaces glycine 70 with serine.
Molecular consequence: missense variant.
Genome position (GRCh38, 1-based): chr20:63,495,972, C>T on the plus strand (G>A on the coding strand, the complement: EEF1A2 is on the minus strand). VCF-style: chr20-63495972-C-T. GRCh37 (hg19) VCF-style: chr20-62127325-C-T.
Other names: short protein forms G70S.
Identifiers: ClinVar variation 100782 (VCV000100782.69), dbSNP rs587777162, ClinGen allele CA150649.
Genomic context (GRCh38, chr20:63,495,972, plus strand): 5'-TGATGGTGATGTAGTACTTGGTGGTCTCGAACTTCCAGAGGGAGATGTCGATGGTGATGC[C>T]GCGCTCACGCTCCGCCTTCAGCTTGTCCAGCACCCAGGCATACTTGAAGGATCCCTTCCC-3'
Protein context (NP_001949.1, residues 60-80): LDKLKAERER[Gly70Ser]ITIDISLWKF